The following is an entry in ClinVar:

ClinVar aggregate classification (germline): Benign. Review status: criteria provided, multiple submitters, no conflicts (2 of 4 stars). 2 submissions from 2 submitters: Benign (2). Last evaluated 2018-01-13.

Conditions:
ALG6-congenital disorder of glycosylation 1C (CDG1C). Also called: CDG Ic; CARBOHYDRATE-DEFICIENT GLYCOPROTEIN SYNDROME, TYPE I, WITH DEFICIENT GLYCOSYLATION OF DOLICHOL-LINKED OLIGOSACCHARIDE; CARBOHYDRATE-DEFICIENT GLYCOPROTEIN SYNDROME, TYPE V; Congenital disorder of glycosylation type 1C; Congenital disorder of glycosylation, type Ic. Identifiers: Orphanet 79320, MedGen C2930997, MONDO:0011291, OMIM 603147.

Allele frequency attached by ClinVar (database versions not stated): gnomAD exomes 0.40000; gnomAD 0.60547 and 0.60642; TOPMed 0.63171; 1000 Genomes Project 0.68470; 1000 Genomes Project 30x 0.69176.
gnomAD v4.1: 91,834 of 151,616 alleles (61%); highest among the groups gnomAD compares: African/African-American, 82%; 29,569 homozygotes.

Submissions (2):

Illumina Laboratory Services, Illumina
Classification: Benign for ALG6-congenital disorder of glycosylation 1C. Last evaluated: 2018-01-13. Review status: criteria provided, single submitter. Criteria: ICSL Variant Classification Criteria 13 December 2019. Collection method: clinical testing. Allele origin: germline.
Comment: This variant was observed in the ICSL laboratory as part of a predisposition screen in an ostensibly healthy population. It had not been previously curated by ICSL or reported in the Human Gene Mutation Database (HGMD: prior to June 1st, 2018), and was therefore a candidate for classification through an automated scoring system. Utilizing variant allele frequency, disease prevalence and penetrance estimates, and inheritance mode, an automated score was calculated to assess if this variant is too frequent to cause the disease. Based on the score and internal cut-off values, a variant classified as benign is not then subjected to further curation. The score for this variant resulted in a classification of benign for this disease.

Breakthrough Genomics
Classification: Benign. Review status: criteria provided, single submitter. Criteria: ACMG Guidelines, 2015. Collection method: not provided. Allele origin: germline. Inheritance: Autosomal recessive inheritance. Affected: yes.

NM_013339.4(ALG6):c.*761T>C

Gene: ALG6 (ALG6 alpha-1,3-glucosyltransferase; plus strand). Cytogenetic location: 1p31.3.
Variant type: single nucleotide variant.
Coding change: c.*761T>C on transcript NM_013339.4 (MANE Select); 761 bases downstream of the stop codon, T replaced by C.
Molecular consequence: 3 prime UTR variant.
Genome position (GRCh38, 1-based): chr1:63,437,781, T>C. VCF-style: chr1-63437781-T-C. GRCh37 (hg19) VCF-style: chr1-63903452-T-C.
Other names: c.*761T>C (LRG_1260t1).
Identifiers: ClinVar variation 297858 (VCV000297858.6), dbSNP rs3009572, ClinGen allele CA10610227.